The following is an entry in ClinVar:

NM_000441.2(SLC26A4):c.1002-1867T>C

Gene: SLC26A4 (solute carrier family 26 member 4; plus strand). Cytogenetic location: 7q22.3.
Variant type: single nucleotide variant.
Coding change: c.1002-1867T>C on transcript NM_000441.2 (MANE Select); 1867 bases into the intron before coding-DNA position 1002, T replaced by C.
Molecular consequence: intron variant.
Genome position (GRCh38, 1-based): chr7:107,687,186, T>C. VCF-style: chr7-107687186-T-C. GRCh37 (hg19) VCF-style: chr7-107327631-T-C.
Identifiers: ClinVar variation 3338145 (VCV003338145.1).

ClinVar aggregate classification (germline): Uncertain significance (0 of 4 stars; one submission).

Conditions:
Hearing impairment. Also called: Impaired Hearing. Identifiers: MedGen C1384666, MONDO:0005365, HP:0000365.

Submission:

Joint Genome Diagnostic Labs from Nijmegen and Maastricht, Radboudumc and MUMC+
Classification: Uncertain significance for hearing impairment. Review status: no assertion criteria provided. Collection method: clinical testing. Allele origin: germline. Affected: yes.
Comment: Found in trans with pathogenic monoallelic variant.